The following is an entry in ClinVar:

NM_001673.5(ASNS):c.470_471insCT (p.Cys158fs)

Genes: ASNS (asparagine synthetase (glutamine-hydrolyzing); minus strand), CZ1P-ASNS (CZ1P-ASNS readthrough; minus strand). Cytogenetic location: 7q21.3.
Variant type: Insertion.
Coding change: c.470_471insCT on transcript NM_001673.5 (MANE Select); coding-DNA positions 470 to 471, CT inserted.
Protein change: p.Cys158fs; shifts the reading frame from cysteine 158.
Molecular consequence: frameshift variant. On other transcripts: non-coding transcript variant (1).
Genome position: GRCh38 VCF-style: chr7-97864275-T-TAG. GRCh37 (hg19) VCF-style: chr7-97493587-T-TAG.
Other names: c.407_408insCT, p.Cys137fs (NM_001178075.2); c.221_222insCT, p.Cys75fs (NM_001178076.2, NM_001178077.1); c.470_471insCT, p.Cys158fs (NM_001352496.2, NM_133436.3, NM_183356.4); short protein forms C75fs, C137fs, C158fs.
Identifiers: ClinVar variation 2035058 (VCV002035058.4), dbSNP rs2484681802, ClinGen allele CA2580077941.

ClinVar aggregate classification (germline): Pathogenic (1 of 4 stars; one submission).

Submission:

Labcorp Genetics (formerly Invitae), Labcorp
Classification: Pathogenic. Last evaluated: 2022-10-10. Review status: criteria provided, single submitter. Criteria: Invitae Variant Classification Sherloc (09022015). Collection method: clinical testing. Allele origin: germline.
Comment: For these reasons, this variant has been classified as Pathogenic. This variant has not been reported in the literature in individuals affected with ASNS-related conditions. This variant is not present in population databases (gnomAD no frequency). This sequence change creates a premature translational stop signal (p.Cys158Tyrfs*11) in the ASNS gene. It is expected to result in an absent or disrupted protein product. Loss-of-function variants in ASNS are known to be pathogenic (PMID: 27422383, 30057589).

Literature cited by the submitters: PubMed 27422383; PubMed 30057589.